The following is an entry in ClinVar:

ClinVar aggregate classification (germline): Uncertain significance. Review status: criteria provided, multiple submitters, no conflicts (2 of 4 stars). 2 submissions from 2 submitters: Uncertain significance (2). Last evaluated 2025-08-22.

Conditions:
Metachromatic leukodystrophy (MLD). Also called: Cerebral sclerosis diffuse metachromatic form; ARSA DEFICIENCY; CEREBROSIDE SULFATASE DEFICIENCY; Arylsulfatase A Deficiency; METACHROMATIC LEUKOENCEPHALOPATHY; SULFATIDE LIPIDOSIS. Identifiers: Orphanet 512, MedGen C0023522, MONDO:0018868, OMIM 250100.
Inborn genetic diseases. Identifiers: MedGen C0950123, MeSH D030342.

Submissions (2):

Ambry Genetics
Classification: Uncertain significance for Inborn genetic diseases. Last evaluated: 2025-08-22. Review status: criteria provided, single submitter. Criteria: Ambry Variant Classification Scheme 2023. Collection method: clinical testing. Allele origin: germline.

Labcorp Genetics (formerly Invitae), Labcorp
Classification: Uncertain significance for Metachromatic leukodystrophy. Last evaluated: 2022-01-13. Review status: criteria provided, single submitter. Criteria: Invitae Variant Classification Sherloc (09022015). Collection method: clinical testing. Allele origin: germline.
Comment: This sequence change replaces leucine, which is neutral and non-polar, with valine, which is neutral and non-polar, at codon 10 of the ARSA protein (p.Leu10Val). This variant is not present in population databases (gnomAD no frequency). This variant has not been reported in the literature in individuals affected with ARSA-related conditions. Algorithms developed to predict the effect of missense changes on protein structure and function (SIFT, PolyPhen-2, Align-GVGD) all suggest that this variant is likely to be tolerated. In summary, the available evidence is currently insufficient to determine the role of this variant in disease. Therefore, it has been classified as a Variant of Uncertain Significance.

NM_000487.6(ARSA):c.28C>G (p.Leu10Val)

Gene: ARSA (arylsulfatase A; minus strand). Cytogenetic location: 22q13.33.
Variant type: single nucleotide variant.
Coding change: c.28C>G on transcript NM_000487.6 (MANE Select); coding-DNA position 28, C replaced by G.
Protein change: p.Leu10Val; replaces leucine 10 with valine.
Molecular consequence: missense variant. On other transcripts: intron variant (2).
Genome position (GRCh38, 1-based): chr22:50,627,752, G>C on the plus strand (C>G on the coding strand, the complement: ARSA is on the minus strand). VCF-style: chr22-50627752-G-C. GRCh37 (hg19) VCF-style: chr22-51066180-G-C.
Other names: c.28C>G (NM_000487.5); c.28C>G, p.Leu10Val (NM_001085425.3, NM_001085426.3, NM_001085427.3); c.-35+239C>G (NM_001362782.2); c.-35+194C>G (NM_001085428.3); short protein forms L10V.
Identifiers: ClinVar variation 1430258 (VCV001430258.6), dbSNP rs911532602, ClinGen allele CA412183770.
Genomic context (GRCh38, chr22:50,627,752, plus strand): 5'-CAAAGATCAGCACGATGTTGGGCGGACGGGCAACGGCCAGGCCAGCAGCCAGGGCCAGGA[G>C]GAGGGACCGCGGTGCCCCCATGGACATGGGACCGAGGGGTCTGTCCCAAGAGAGGGAGGG-3'
Protein context (NP_000478.3, residues 1-20): MSMGAPRSL[Leu10Val]LALAAGLAVA